The following is an entry in ClinVar:

ClinVar aggregate classification (germline): Uncertain significance. Review status: criteria provided, multiple submitters, no conflicts (2 of 4 stars). 3 submissions from 3 submitters: Uncertain significance (3). Last evaluated 2025-04-03.

Conditions:
ITGAM-related disorder. Also called: ITGAM-related condition.

Allele frequency attached by ClinVar (database versions not stated): gnomAD 0.00001; gnomAD exomes 0.00001 and 0.00002; ExAC 0.00003.
gnomAD v4.1: 28 of 1,611,806 alleles (0.0017%); highest among the groups gnomAD compares: Non-Finnish European, 0.0021%; no homozygotes.

Submissions (3):

Labcorp Genetics (formerly Invitae), Labcorp
Classification: Uncertain significance. Last evaluated: 2025-04-03. Review status: criteria provided, single submitter. Criteria: Invitae Variant Classification Sherloc (09022015). Collection method: clinical testing. Allele origin: germline.
Comment: This sequence change replaces leucine, which is neutral and non-polar, with histidine, which is basic and polar, at codon 41 of the ITGAM protein (p.Leu41His). This variant is present in population databases (rs759371607, gnomAD 0.003%). This variant has not been reported in the literature in individuals affected with ITGAM-related conditions. ClinVar contains an entry for this variant (Variation ID: 1354817). An algorithm developed to predict the effect of missense changes on protein structure and function (PolyPhen-2) suggests that this variant is likely to be disruptive. In summary, the available evidence is currently insufficient to determine the role of this variant in disease. Therefore, it has been classified as a Variant of Uncertain Significance.

Ambry Genetics
Classification: Uncertain significance. Last evaluated: 2025-03-17. Review status: criteria provided, single submitter. Criteria: Ambry Variant Classification Scheme 2023. Collection method: clinical testing. Allele origin: germline.

PreventionGenetics, part of Exact Sciences
Classification: Uncertain significance for ITGAM-related condition. Last evaluated: 2024-12-10. Review status: criteria provided, single submitter. Criteria: ACMG Guidelines, 2015. Collection method: clinical testing. Allele origin: germline.
Comment: The ITGAM c.122T>A variant is predicted to result in the amino acid substitution p.Leu41His. To our knowledge, this variant has not been reported in the literature. This variant is reported in 0.0027% of alleles in individuals of European (Non-Finnish) descent in gnomAD. At this time, the clinical significance of this variant is uncertain due to the absence of conclusive functional and genetic evidence.

NM_000632.4(ITGAM):c.122T>A (p.Leu41His)

Gene: ITGAM (integrin subunit alpha M; plus strand). Cytogenetic location: 16p11.2.
Variant type: single nucleotide variant.
Coding change: c.122T>A on transcript NM_000632.4 (MANE Select); coding-DNA position 122, T replaced by A.
Protein change: p.Leu41His; replaces leucine 41 with histidine.
Molecular consequence: missense variant.
Genome position (GRCh38, 1-based): chr16:31,261,785, T>A. VCF-style: chr16-31261785-T-A. GRCh37 (hg19) VCF-style: chr16-31273106-T-A.
Other names: c.122T>A, p.Leu41His (NM_001145808.2); c.122T>A (NM_000632.3); short protein forms L41H.
Identifiers: ClinVar variation 1354817 (VCV001354817.8), dbSNP rs759371607, ClinGen allele CA8025110.
Genomic context (GRCh38, chr16:31,261,785, plus strand): 5'-CTGAAAACGCAATGACCTTCCAAGAGAACGCAAGGGGCTTCGGGCAGAGCGTGGTCCAGC[T>A]TCAGGGATCCAGGTGAGACCCTTAGATGGAGCCCCCTTTCTCAGTGCTTTCTCTCCAAGA-3'
Protein context (NP_000623.2, residues 31-51): ARGFGQSVVQ[Leu41His]QGSRVVVGAP